The following is an entry in ClinVar:

ClinVar aggregate classification (germline): Conflicting classifications of pathogenicity. Review status: criteria provided, conflicting classifications (1 of 4 stars). 2 submissions from 2 submitters: Uncertain significance (1); Likely benign (1). Last evaluated 2024-10-25.

Conditions:
Familial sleep-related hypermotor epilepsy. Also called: Autosomal Dominant Sleep-Related Hypermotor (Hyperkinetic) Epilepsy. Identifiers: Orphanet 98784, MedGen C3696898, MONDO:0000030.

Allele frequency attached by ClinVar (database versions not stated): gnomAD exomes 0.00001; TOPMed 0.00002; gnomAD 0.00002.
gnomAD v4.1: 10 of 1,479,016 alleles (0.00068%); highest among the groups gnomAD compares: African/African-American, 0.0015%; no homozygotes.

Submissions (2):

Labcorp Genetics (formerly Invitae), Labcorp
Classification: Likely benign. Last evaluated: 2024-10-25. Review status: criteria provided, single submitter. Criteria: Invitae Variant Classification Sherloc (09022015). Collection method: clinical testing. Allele origin: germline.

Women's Health and Genetics/Laboratory Corporation of America, LabCorp
Classification: Uncertain significance. Last evaluated: 2021-01-22. Review status: criteria provided, single submitter. Criteria: LabCorp Variant Classification Summary - May 2015. Collection method: clinical testing. Allele origin: germline.
Comment: Variant summary: CHRNA4 c.35T>C (p.Leu12Pro) results in a non-conservative amino acid change in the encoded protein sequence. Four of five in-silico tools predict a benign effect of the variant on protein function. The variant allele was found at a frequency of 2e-05 in 150656 control chromosomes (gnomAD v3.1). The available data on variant occurrences in the general population are insufficient to allow any conclusion about variant significance. To our knowledge, no occurrence of c.35T>C in individuals affected with Epilepsy, Nocturnal Frontal Lobe, Type 1 and no experimental evidence demonstrating its impact on protein function have been reported. A ClinVar submitter (evaluation after 2014) cites the variant as uncertain significance. Based on the evidence outlined above, the variant was classified as uncertain significance.

NM_000744.7(CHRNA4):c.35T>C (p.Leu12Pro)

Genes: CHRNA4 (cholinergic receptor nicotinic alpha 4 subunit; minus strand), LOC100130587 (uncharacterized LOC100130587; plus strand). Cytogenetic location: 20q13.33.
Variant type: single nucleotide variant.
Coding change: c.35T>C on transcript NM_000744.7 (MANE Select); coding-DNA position 35, T replaced by C.
Protein change: p.Leu12Pro; replaces leucine 12 with proline.
Molecular consequence: missense variant. On other transcripts: non-coding transcript variant (1), intron variant (1).
Genome position (GRCh38, 1-based): chr20:63,361,131, A>G on the plus strand (T>C on the coding strand, the complement: CHRNA4 is on the minus strand). VCF-style: chr20-63361131-A-G. GRCh37 (hg19) VCF-style: chr20-61992483-A-G.
Other names: c.-471+46T>C (NM_001256573.2); short protein forms L12P.
Identifiers: ClinVar variation 411848 (VCV000411848.9), dbSNP rs1060503516, ClinGen allele CA16616249.